The following is an entry in ClinVar:

NM_004448.4(ERBB2):c.3031G>A (p.Asp1011Asn)

Gene: ERBB2 (erb-b2 receptor tyrosine kinase 2; plus strand). Cytogenetic location: 17q12.
Variant type: single nucleotide variant.
Coding change: c.3031G>A on transcript NM_004448.4 (MANE Select); coding-DNA position 3031, G replaced by A.
Protein change: p.Asp1011Asn; replaces aspartic acid 1011 with asparagine.
Molecular consequence: missense variant. On other transcripts: non-coding transcript variant (1), intron variant (1).
Genome position (GRCh38, 1-based): chr17:39,726,875, G>A. VCF-style: chr17-39726875-G-A. GRCh37 (hg19) VCF-style: chr17-37883128-G-A.
Other names: c.2941G>A, p.Asp981Asn (NM_001005862.3, NM_001382782.1, NM_001382783.1); c.2986G>A, p.Asp996Asn (NM_001289936.2); c.3031G>A, p.Asp1011Asn (NM_001289937.2, NM_001382796.1); c.3148G>A, p.Asp1050Asn (NM_001382784.1); c.3133G>A, p.Asp1045Asn (NM_001382785.1); c.3112G>A, p.Asp1038Asn (NM_001382786.1); c.3106G>A, p.Asp1036Asn (NM_001382787.1); c.3061G>A, p.Asp1021Asn (NM_001382788.1); and 15 more; short protein forms D1045N, D959N, D995N, D997N, D1010N, D1011N, D1018N, D1008N.
Identifiers: ClinVar variation 1425373 (VCV001425373.8), dbSNP rs2143173826, ClinGen allele CA399309212.

ClinVar aggregate classification (germline): Uncertain significance (1 of 4 stars; one submission).

Allele frequency attached by ClinVar (database versions not stated): gnomAD exomes below 0.00001.
gnomAD v4.1: 1 of 1,614,054 alleles (0.000062%); highest among the groups gnomAD compares: Non-Finnish European, 0.000085%; no homozygotes.

Submission:

Labcorp Genetics (formerly Invitae), Labcorp
Classification: Uncertain significance. Last evaluated: 2021-04-02. Review status: criteria provided, single submitter. Criteria: Invitae Variant Classification Sherloc (09022015). Collection method: clinical testing. Allele origin: germline.
Comment: In summary, the available evidence is currently insufficient to determine the role of this variant in disease. Therefore, it has been classified as a Variant of Uncertain Significance. This sequence change replaces aspartic acid with asparagine at codon 1011 of the ERBB2 protein (p.Asp1011Asn). The aspartic acid residue is weakly conserved and there is a small physicochemical difference between aspartic acid and asparagine. This variant is not present in population databases (ExAC no frequency). This variant has not been reported in the literature in individuals with ERBB2-related conditions. Algorithms developed to predict the effect of missense changes on protein structure and function (SIFT, PolyPhen-2, Align-GVGD) all suggest that this variant is likely to be tolerated, but these predictions have not been confirmed by published functional studies and their clinical significance is uncertain.